The following is an entry in ClinVar:

NM_000016.6(ACADM):c.614C>T (p.Ala205Val)

Gene: ACADM (acyl-CoA dehydrogenase medium chain; plus strand). Cytogenetic location: 1p31.1.
Variant type: single nucleotide variant.
Coding change: c.614C>T on transcript NM_000016.6 (MANE Select); coding-DNA position 614, C replaced by T.
Protein change: p.Ala205Val; replaces alanine 205 with valine.
Molecular consequence: missense variant.
Genome position (GRCh38, 1-based): chr1:75,745,820, C>T. VCF-style: chr1-75745820-C-T. GRCh37 (hg19) VCF-style: chr1-76211505-C-T.
Other names: c.626C>T, p.Ala209Val (NM_001127328.3); c.506C>T, p.Ala169Val (NM_001286042.2); c.713C>T, p.Ala238Val (NM_001286043.2); c.47C>T, p.Ala16Val (NM_001286044.2); c.614C>T (NM_000016.5); short protein forms A238V, A169V, A205V, A16V, A209V.
Identifiers: ClinVar variation 1374259 (VCV001374259.13), dbSNP rs1647865251, ClinGen allele CA340815829.

ClinVar aggregate classification (germline): Conflicting classifications of pathogenicity. Review status: criteria provided, conflicting classifications (1 of 4 stars). 5 submissions from 5 submitters: Pathogenic (1); Likely pathogenic (3); Uncertain significance (1). Last evaluated 2025-08-11.

Conditions:
Medium-chain acyl-coenzyme A dehydrogenase deficiency (ACADMD). Also called: CARNITINE DEFICIENCY SECONDARY TO MEDIUM-CHAIN ACYL-CoA DEHYDROGENASE DEFICIENCY; MCADD; Medium chain acyl-CoA dehydrogenase deficiency; ACADM DEFICIENCY; MCAD Deficiency; MCADH DEFICIENCY. Identifiers: Orphanet 42, MedGen C0220710, MONDO:0008721, OMIM 201450.

Allele frequency attached by ClinVar (database versions not stated): gnomAD exomes below 0.00001.
gnomAD v4.1: 1 of 1,613,392 alleles (0.000062%); highest among the groups gnomAD compares: Non-Finnish European, 0.000085%; no homozygotes.

Submissions (5):

Dasa
Classification: Likely pathogenic. Last evaluated: 2025-08-11. Review status: criteria provided, single submitter. Criteria: DASA Assertion Criteria. Collection method: clinical testing. Allele origin: germline.
Comment: NM_000016.6(ACADM):c.614C>T (p.Ala205Val) is a missense variant that results in the substitution of alanine with valine. The affected residue or protein region has prior evidence supporting clinical relevance. This variant has been reported in individuals with ACADM-related disorders (PMID: 31012112). Also, this variant is rare in population databases. Computational evidence supports a deleterious effect. Based on the currently available evidence, this variant is classified as likely pathogenic.

Natera, Inc.
Classification: Likely pathogenic for Medium Chain Acyl-CoA Dehydrogenase Deficiency. Last evaluated: 2025-08-08. Review status: criteria provided, single submitter. Criteria: Natera Variant Classification Schema (03/2026). Collection method: clinical testing. Allele origin: germline.
Comment: The c.614C>T variant in ACADM is a missense variant predicted to cause substitution of alanine to valine at amino acid 205. This variant is rare in the general population with a frequency below the threshold expected for the associated phenotype(s). This variant has been observed in one or more individuals affected with the associated recessive disease, as either homozygous or compound heterozygous with a second variant (PMID: 34578803, 31012112). This variant has been identified in one or more affected individuals with a phenotype highly consistent with the associated gene (PMID: 34578803). Computational prediction algorithms indicate this variant is likely to affect gene or protein function. Given the available evidence, this variant is classified as Likely Pathogenic.

Blueprint Genetics
Classification: Uncertain significance. Last evaluated: 2024-09-13. Review status: criteria provided, single submitter. Criteria: ACMG Guidelines, 2015. Collection method: clinical testing. Allele origin: germline.

Fulgent Genetics
Classification: Likely pathogenic for Medium-chain acyl-coenzyme A dehydrogenase deficiency. Last evaluated: 2024-04-16. Review status: criteria provided, single submitter. Criteria: ACMG Guidelines, 2015. Collection method: clinical testing. Allele origin: germline.

Labcorp Genetics (formerly Invitae), Labcorp
Classification: Pathogenic for Medium-chain acyl-coenzyme A dehydrogenase deficiency. Last evaluated: 2023-03-21. Review status: criteria provided, single submitter. Criteria: Invitae Variant Classification Sherloc (09022015). Collection method: clinical testing. Allele origin: germline.
Comment: Algorithms developed to predict the effect of sequence changes on RNA splicing suggest that this variant may create or strengthen a splice site. For these reasons, this variant has been classified as Pathogenic. This variant disrupts the p.Ala205 amino acid residue in ACADM. Other variant(s) that disrupt this residue have been determined to be pathogenic (PMID: 20434380, 22542437). This suggests that this residue is clinically significant, and that variants that disrupt this residue are likely to be disease-causing. Advanced modeling of protein sequence and biophysical properties (such as structural, functional, and spatial information, amino acid conservation, physicochemical variation, residue mobility, and thermodynamic stability) performed at Invitae indicates that this missense variant is not expected to disrupt ACADM protein function. ClinVar contains an entry for this variant (Variation ID: 1374259). This missense change has been observed in individual(s) with medium-chain acyl-coenzyme A dehydrogenase deficiency (PMID: 31012112). This variant is not present in population databases (gnomAD no frequency). This sequence change replaces alanine, which is neutral and non-polar, with valine, which is neutral and non-polar, at codon 205 of the ACADM protein (p.Ala205Val).

Literature cited by the submitters: PubMed 31012112 (cited by 3 submitters); PubMed 20434380 (cited by Dasa and Labcorp Genetics (formerly Invitae), Labcorp); PubMed 22542437 (cited by Dasa and Labcorp Genetics (formerly Invitae), Labcorp); PubMed 34578803 (cited by Natera, Inc.).